The following is an entry in ClinVar:

ClinVar aggregate classification (germline): Uncertain significance. Review status: criteria provided, multiple submitters, no conflicts (2 of 4 stars). 2 submissions from 2 submitters: Uncertain significance (2). Last evaluated 2025-06-14.

Conditions:
Wilms tumor 1 (WT1). Also called: Wilms tumor, somatic. Identifiers: Orphanet 654, MedGen CN033288, MONDO:0008679, OMIM 194070.

Allele frequency attached by ClinVar (database versions not stated): TOPMed 0.00006; gnomAD 0.00005.
gnomAD v4.1: 85 of 1,281,722 alleles (0.0066%); highest among the groups gnomAD compares: Non-Finnish European, 0.0075%; no homozygotes.

Submissions (2):

Labcorp Genetics (formerly Invitae), Labcorp
Classification: Uncertain significance. Last evaluated: 2025-06-14. Review status: criteria provided, single submitter. Criteria: Invitae Variant Classification Sherloc (09022015). Collection method: clinical testing. Allele origin: germline.
Comment: This sequence change replaces glycine, which is neutral and non-polar, with valine, which is neutral and non-polar, at codon 28 of the TRIM28 protein (p.Gly28Val). This variant is not present in population databases (gnomAD no frequency). This variant has not been reported in the literature in individuals affected with TRIM28-related conditions. ClinVar contains an entry for this variant (Variation ID: 2444882). Experimental studies and prediction algorithms are not available or were not evaluated, and the functional significance of this variant is currently unknown. In summary, the available evidence is currently insufficient to determine the role of this variant in disease. Therefore, it has been classified as a Variant of Uncertain Significance.

St. Jude Molecular Pathology, St. Jude Children's Research Hospital
Classification: Uncertain significance for Wilms tumor 1. Last evaluated: 2023-03-02. Review status: criteria provided, single submitter. Criteria: St. Jude Assertion Criteria 2020. Collection method: clinical testing. Allele origin: germline.
Comment: The TRIM28 c.83G>T (p.Gly28Val) missense change is absent in gnomAD v2.1.1, however data at this position may not be reliable due to mean depth of coverage <30X. The in silico tool REVEL predicts a benign effect on protein function, but to our knowledge this prediction has not been confirmed by functional studies. To our knowledge, this variant has not been reported in individuals with a personal or family history of Wilms tumor. In summary, the evidence currently available is insufficient to determine the clinical significance of this variant. It has therefore been classified as of uncertain significance.

NM_005762.3(TRIM28):c.83G>T (p.Gly28Val)

Genes: TRIM28 (tripartite motif containing 28; plus strand), LOC130065239 (ATAC-STARR-seq lymphoblastoid silent region 11093; plus strand). Cytogenetic location: 19q13.43.
Variant type: single nucleotide variant.
Coding change: c.83G>T on transcript NM_005762.3 (MANE Select); coding-DNA position 83, G replaced by T.
Protein change: p.Gly28Val; replaces glycine 28 with valine.
Molecular consequence: missense variant.
Genome position (GRCh38, 1-based): chr19:58,544,840, G>T. VCF-style: chr19-58544840-G-T. GRCh37 (hg19) VCF-style: chr19-59056207-G-T.
Other names: short protein forms G28V.
Identifiers: ClinVar variation 2444882 (VCV002444882.4), dbSNP rs979351702, ClinGen allele CA310605489.